The following is an entry in ClinVar:

ClinVar aggregate classification (germline): Uncertain significance (1 of 4 stars; one submission).

Conditions:
PLEC-related disorder. Also called: PLEC-related disorders; PLEC-related condition.

Submission:

PreventionGenetics, part of Exact Sciences
Classification: Uncertain significance for PLEC-related condition. Last evaluated: 2026-06-09. Review status: criteria provided, single submitter. Criteria: ACMG Guidelines, 2015. Collection method: clinical testing. Allele origin: germline.
Comment: The PLEC c.2000T>C variant is predicted to result in the amino acid substitution p.Val667Ala. To our knowledge, this variant has not been reported in the literature or in a large population database (gnomAD), indicating this variant is rare. At this time, the clinical significance of this variant is uncertain due to the absence of conclusive functional and genetic evidence.

NM_201384.3(PLEC):c.1919T>C (p.Val640Ala)

Gene: PLEC (plectin; minus strand). Cytogenetic location: 8q24.3.
Variant type: single nucleotide variant.
Coding change: c.1919T>C on transcript NM_201384.3 (MANE Select); coding-DNA position 1919, T replaced by C.
Protein change: p.Val640Ala; replaces valine 640 with alanine.
Molecular consequence: missense variant.
Genome position (GRCh38, 1-based): chr8:143,932,458, A>G on the plus strand (T>C on the coding strand, the complement: PLEC is on the minus strand). VCF-style: chr8-143932458-A-G. GRCh37 (hg19) VCF-style: chr8-145006626-A-G.
Other names: c.2000T>C, p.Val667Ala (NM_000445.5, NM_001410941.1); c.1877T>C, p.Val626Ala (NM_201378.4); c.1853T>C, p.Val618Ala (NM_201379.3); c.2330T>C, p.Val777Ala (NM_201380.4); c.1823T>C, p.Val608Ala (NM_201381.3); c.1919T>C, p.Val640Ala (NM_201382.4); c.1931T>C, p.Val644Ala (NM_201383.3); short protein forms V608A, V640A, V644A, V667A, V777A, V618A, V626A.
Identifiers: ClinVar variation 4992176 (VCV004992176.1).